The following is an entry in ClinVar:

NM_018706.7(DHTKD1):c.2571A>G (p.Lys857=)

Gene: DHTKD1 (dehydrogenase E1 and transketolase domain containing 1; plus strand). Cytogenetic location: 10p14.
Variant type: single nucleotide variant.
Coding change: c.2571A>G on transcript NM_018706.7 (MANE Select); coding-DNA position 2571, A replaced by G.
Protein change: p.Lys857=; no amino-acid change (lysine 857 retained).
Molecular consequence: synonymous variant.
Genome position (GRCh38, 1-based): chr10:12,118,917, A>G. VCF-style: chr10-12118917-A-G. GRCh37 (hg19) VCF-style: chr10-12160916-A-G.
Identifiers: ClinVar variation 2792103 (VCV002792103.3), dbSNP rs1420964907, ClinGen allele CA468221858.

ClinVar aggregate classification (germline): Uncertain significance (1 of 4 stars; one submission).

Conditions:
2-aminoadipic 2-oxoadipic aciduria (AAKAD). Also called: ALPHA-AMINOADIPIC AND ALPHA-KETOADIPIC ACIDURIA; Aminoadipic aciduria. Identifiers: Orphanet 79154, MedGen C1859817, MONDO:0008774, OMIM 204750.

Allele frequency attached by ClinVar (database versions not stated): gnomAD exomes below 0.00001; TOPMed below 0.00001.

Submission:

Labcorp Genetics (formerly Invitae), Labcorp
Classification: Uncertain significance for 2-aminoadipic 2-oxoadipic aciduria. Last evaluated: 2023-03-27. Review status: criteria provided, single submitter. Criteria: Invitae Variant Classification Sherloc (09022015). Collection method: clinical testing. Allele origin: germline.
Comment: In summary, the available evidence is currently insufficient to determine the role of this variant in disease. Therefore, it has been classified as a Variant of Uncertain Significance. Algorithms developed to predict the effect of sequence changes on RNA splicing suggest that this variant is not likely to affect RNA splicing. This variant has not been reported in the literature in individuals affected with DHTKD1-related conditions. This variant is present in population databases (no rsID available, gnomAD 0.001%). This sequence change affects codon 857 of the DHTKD1 mRNA. It is a 'silent' change, meaning that it does not change the encoded amino acid sequence of the DHTKD1 protein. It affects a nucleotide within the consensus splice site.